The following is an entry in ClinVar:

ClinVar aggregate classification (germline): Uncertain significance (1 of 4 stars; one submission).

Conditions:
Inborn genetic diseases. Identifiers: MedGen C0950123, MeSH D030342.

Submission:

Ambry Genetics
Classification: Uncertain significance for Inborn genetic diseases. Last evaluated: 2026-05-19. Review status: criteria provided, single submitter. Criteria: Ambry Variant Classification Scheme 2023. Collection method: clinical testing. Allele origin: germline.
Comment: The p.G955R variant (also known as c.2863G>C), located in coding exon 22 of the BUB1B gene, results from a G to C substitution at nucleotide position 2863. The glycine at codon 955 is replaced by arginine, an amino acid with dissimilar properties. This amino acid position is conserved. In addition, the in silico prediction for this alteration is inconclusive. Based on the available evidence, the clinical significance of this variant remains unclear.

NM_001211.6(BUB1B):c.2863G>C (p.Gly955Arg)

Genes: BUB1B (BUB1 mitotic checkpoint serine/threonine kinase B; plus strand), BUB1B-PAK6 (BUB1B-PAK6 readthrough; plus strand). Cytogenetic location: 15q15.1.
Variant type: single nucleotide variant.
Coding change: c.2863G>C on transcript NM_001211.6 (MANE Select); coding-DNA position 2863, G replaced by C.
Protein change: p.Gly955Arg; replaces glycine 955 with arginine.
Molecular consequence: missense variant. On other transcripts: intron variant (2).
Genome position (GRCh38, 1-based): chr15:40,218,468, G>C. VCF-style: chr15-40218468-G-C. GRCh37 (hg19) VCF-style: chr15-40510669-G-C.
Other names: c.-201+801G>C (NM_001128628.3); c.-118+801G>C (NM_001128629.3); short protein forms G955R.
Identifiers: ClinVar variation 4868006 (VCV004868006.1).